The following is an entry in ClinVar:

ClinVar aggregate classification (germline): Benign. Review status: criteria provided, multiple submitters, no conflicts (2 of 4 stars). 7 submissions from 7 submitters: Benign (6). 1 of the submissions does not count toward it. Last evaluated 2026-02-03.

Conditions:
Intellectual developmental disorder, autosomal recessive 13. Also called: Intellectual disability, autosomal recessive 13. Identifiers: Orphanet 88616, MedGen C2750791, MONDO:0013173, OMIM 613192.

Allele frequency attached by ClinVar (database versions not stated): 1000 Genomes Project 0.07169; 1000 Genomes Project 30x 0.07292; ESP Exome Variant Server 0.09972; TOPMed 0.10155; gnomAD 0.10579 and 0.10663; ExAC 0.12324; gnomAD exomes 0.12470 and 0.12735.
gnomAD v4.1: 197,340 of 1,612,806 alleles (12%); highest among the groups gnomAD compares: Admixed American, 22%; 13,594 homozygotes.

Submissions (7):

Labcorp Genetics (formerly Invitae), Labcorp
Classification: Benign. Last evaluated: 2026-02-03. Review status: criteria provided, single submitter. Criteria: Invitae Variant Classification Sherloc (09022015). Collection method: clinical testing. Allele origin: germline.

Mayo Clinic Laboratories, Mayo Clinic
Classification: Benign. Last evaluated: 2022-04-14. Review status: criteria provided, single submitter. Criteria: ACMG Guidelines, 2015. Collection method: clinical testing. Allele origin: germline. Observed: 11 variant alleles.

GeneDx
Classification: Benign. Last evaluated: 2018-07-09. Review status: criteria provided, single submitter. Criteria: GeneDx Variant Classification Process June 2021. Collection method: clinical testing. Allele origin: germline. Affected: yes.

Illumina Laboratory Services, Illumina
Classification: Benign for Intellectual developmental disorder, autosomal recessive 13. Last evaluated: 2018-01-12. Review status: criteria provided, single submitter. Criteria: ICSL Variant Classification Criteria 13 December 2019. Collection method: clinical testing. Allele origin: germline.
Comment: This variant was observed in the ICSL laboratory as part of a predisposition screen in an ostensibly healthy population. It had not been previously curated by ICSL or reported in the Human Gene Mutation Database (HGMD: prior to June 1st, 2018), and was therefore a candidate for classification through an automated scoring system. Utilizing variant allele frequency, disease prevalence and penetrance estimates, and inheritance mode, an automated score was calculated to assess if this variant is too frequent to cause the disease. Based on the score and internal cut-off values, a variant classified as benign is not then subjected to further curation. The score for this variant resulted in a classification of benign for this disease.

Breakthrough Genomics
Classification: Benign. Review status: criteria provided, single submitter. Criteria: ACMG Guidelines, 2015. Collection method: not provided. Allele origin: germline. Inheritance: Autosomal recessive inheritance. Affected: yes.

PreventionGenetics, part of Exact Sciences
Classification: Benign. Review status: criteria provided, single submitter. Criteria: ACMG Guidelines, 2015. Collection method: clinical testing. Allele origin: germline.

Genetic Services Laboratory, University of Chicago
Classification: Likely benign for AllHighlyPenetrant. Review status: no assertion criteria provided. Collection method: clinical testing. Allele origin: germline. Inheritance: Autosomal recessive inheritance. Not counted in ClinVar's aggregate classification.
Comment: Likely benign based on allele frequency in 1000 Genomes Project or ESP global frequency and its presence in a patient with a rare or unrelated disease phenotype. NOT Sanger confirmed.

NM_001160372.4(TRAPPC9):c.2431+7G>A

Gene: TRAPPC9 (trafficking protein particle complex subunit 9; minus strand). Cytogenetic location: 8q24.3.
Variant type: single nucleotide variant.
Coding change: c.2431+7G>A on transcript NM_001160372.4 (MANE Select); 7 bases into the intron after coding-DNA position 2431, G replaced by A.
Molecular consequence: intron variant.
Genome position (GRCh38, 1-based): chr8:140,252,770, C>T on the plus strand (G>A on the coding strand, the complement: TRAPPC9 is on the minus strand). VCF-style: chr8-140252770-C-T. GRCh37 (hg19) VCF-style: chr8-141262869-C-T.
Other names: p.?; c.2725+7G>A (NM_031466.7); c.2431+7G>A (NM_031466.8, NM_001374683.1); c.2404+7G>A (NM_001321646.2); c.2287+7G>A (NM_001374684.1); c.2452+7G>A (NM_001374682.1).
Identifiers: ClinVar variation 130626 (VCV000130626.22), dbSNP rs11166964, ClinGen allele CA155773.
Genomic context (GRCh38, chr8:140,252,770, plus strand): 5'-AGGGATGGGGGTTGCTACACAGTATCTAGGACCCTGACGTGCTAATTAAAATTAGGAAAG[C>T]GCTTACCATCACTGAGATCCTGCAGGAGATTCTCCTGGCAGGAGAAATCCAGCTTCACTT-3'